The following is an entry in ClinVar:

NM_020338.4(ZMIZ1):c.779C>T (p.Ala260Val)

Gene: ZMIZ1 (zinc finger MIZ-type containing 1; plus strand). Cytogenetic location: 10q22.3.
Variant type: single nucleotide variant.
Coding change: c.779C>T on transcript NM_020338.4 (MANE Select); coding-DNA position 779, C replaced by T.
Protein change: p.Ala260Val; replaces alanine 260 with valine.
Molecular consequence: missense variant.
Genome position (GRCh38, 1-based): chr10:79,292,178, C>T. VCF-style: chr10-79292178-C-T. GRCh37 (hg19) VCF-style: chr10-81051935-C-T.
Other names: short protein forms A260V.
Identifiers: ClinVar variation 2719939 (VCV002719939.3), dbSNP rs2493829226, ClinGen allele CA377332813.

ClinVar aggregate classification (germline): Uncertain significance (1 of 4 stars; one submission).

Allele frequency attached by ClinVar (database versions not stated): gnomAD exomes below 0.00001.
gnomAD v4.1: 1 of 1,610,646 alleles (0.000062%); highest among the groups gnomAD compares: Admixed American, 0.0017%; no homozygotes.

Submission:

Labcorp Genetics (formerly Invitae), Labcorp
Classification: Uncertain significance. Last evaluated: 2024-10-22. Review status: criteria provided, single submitter. Criteria: Invitae Variant Classification Sherloc (09022015). Collection method: clinical testing. Allele origin: germline.
Comment: This sequence change replaces alanine, which is neutral and non-polar, with valine, which is neutral and non-polar, at codon 260 of the ZMIZ1 protein (p.Ala260Val). This variant is not present in population databases (gnomAD no frequency). This variant has not been reported in the literature in individuals affected with ZMIZ1-related conditions. Invitae Evidence Modeling of protein sequence and biophysical properties (such as structural, functional, and spatial information, amino acid conservation, physicochemical variation, residue mobility, and thermodynamic stability) indicates that this missense variant is not expected to disrupt ZMIZ1 protein function with a negative predictive value of 95%. In summary, the available evidence is currently insufficient to determine the role of this variant in disease. Therefore, it has been classified as a Variant of Uncertain Significance.